The following is an entry in ClinVar:

ClinVar aggregate classification (germline): Uncertain significance (1 of 4 stars; one submission).

Allele frequency attached by ClinVar (database versions not stated): TOPMed below 0.00001; gnomAD 0.00001; gnomAD exomes 0.00001.
gnomAD v4.1: 20 of 1,168,190 alleles (0.0017%); highest among the groups gnomAD compares: Admixed American, 0.003%; no homozygotes.

Submission:

Labcorp Genetics (formerly Invitae), Labcorp
Classification: Uncertain significance. Last evaluated: 2021-12-25. Review status: criteria provided, single submitter. Criteria: Invitae Variant Classification Sherloc (09022015). Collection method: clinical testing. Allele origin: germline.
Comment: Algorithms developed to predict the effect of sequence changes on RNA splicing suggest that this variant may disrupt the consensus splice site. In summary, the available evidence is currently insufficient to determine the role of this variant in disease. Therefore, it has been classified as a Variant of Uncertain Significance. Algorithms developed to predict the effect of missense changes on protein structure and function are either unavailable or do not agree on the potential impact of this missense change (SIFT: "Deleterious"; PolyPhen-2: "Benign"; Align-GVGD: "Class C0"). This variant has not been reported in the literature in individuals affected with TBCK-related conditions. This variant is present in population databases (no rsID available, gnomAD 0.007%). This sequence change replaces glycine, which is neutral and non-polar, with arginine, which is basic and polar, at codon 128 of the TBCK protein (p.Gly128Arg).

NM_001163435.3(TBCK):c.382G>A (p.Gly128Arg)

Gene: TBCK (TBC1 domain containing kinase; minus strand). Cytogenetic location: 4q24.
Variant type: single nucleotide variant.
Coding change: c.382G>A on transcript NM_001163435.3 (MANE Select); coding-DNA position 382, G replaced by A.
Protein change: p.Gly128Arg; replaces glycine 128 with arginine.
Molecular consequence: missense variant. On other transcripts: 5 prime UTR variant (1), intron variant (1).
Genome position (GRCh38, 1-based): chr4:106,260,510, C>T on the plus strand (G>A on the coding strand, the complement: TBCK is on the minus strand). VCF-style: chr4-106260510-C-T. GRCh37 (hg19) VCF-style: chr4-107181667-C-T.
Other names: c.382G>A, p.Gly128Arg (NM_001163436.4, NM_001163437.3); c.-236G>A (NM_001290768.2); c.267-8503G>A (NM_033115.5); short protein forms G128R.
Identifiers: ClinVar variation 1359711 (VCV001359711.5), dbSNP rs1043228885, ClinGen allele CA103416517.